The following is an entry in ClinVar:

NM_001377265.1(MAPT):c.1733-3del

Gene: MAPT (microtubule associated protein tau). Cytogenetic location: 17q21.31.
Variant type: Deletion.
Coding change: c.1733-3del on transcript NM_001377265.1 (MANE Select); 3 bases into the intron before coding-DNA position 1733, one base deleted.
Molecular consequence: intron variant.
Genome position: GRCh38 VCF-style: chr17-45996393-TC-T. GRCh37 (hg19) VCF-style: chr17-44073759-TC-T.
Other names: c.383-3del (NM_001377268.1, NM_016834.5, NM_016841.5); c.1562-3del (NM_001123066.4); c.1508-3del (NM_016835.5); c.557-3del (NM_005910.6, NM_001203252.2); c.1535-3del (NM_001377266.1); c.470-3del (NM_001123067.4, NM_001203251.2, NM_001377267.1).
Identifiers: ClinVar variation 961889 (VCV000961889.10), dbSNP rs2074473044, ClinGen allele CA626683703.

ClinVar aggregate classification (germline): Uncertain significance (1 of 4 stars; one submission).

Conditions:
Frontotemporal dementia (FTD1). Also called: Frontotemporal Dementia with Parkinsonism-17 (FTDP-17); FRONTOTEMPORAL DEMENTIA WITH PARKINSONISM; WILHELMSEN-LYNCH DISEASE; Frontotemporal lobe dementia (FLDEM); FRONTOTEMPORAL LOBE DEMENTIA; FRONTOTEMPORAL LOBAR DEGENERATION WITH TAU INCLUSIONS. Identifiers: Orphanet 282, MedGen C0338451, MONDO:0017276, OMIM 600274, HP:0002145.

Submission:

Labcorp Genetics (formerly Invitae), Labcorp
Classification: Uncertain significance for Frontotemporal dementia. Last evaluated: 2019-09-16. Review status: criteria provided, single submitter. Criteria: Invitae Variant Classification Sherloc (09022015). Collection method: clinical testing. Allele origin: germline.
Comment: In summary, the available evidence is currently insufficient to determine the role of this variant in disease. Therefore, it has been classified as a Variant of Uncertain Significance. This sequence change falls in intron 7 of the MAPT gene. It does not directly change the encoded amino acid sequence of the MAPT protein, but it affects a nucleotide within the consensus splice site of the intron. This variant is not present in population databases (ExAC no frequency). This variant has not been reported in the literature in individuals with MAPT-related conditions. Nucleotide substitutions within the consensus splice site are a relatively common cause of aberrant splicing (PMID: 17576681, 9536098). Algorithms developed to predict the effect of sequence changes on RNA splicing suggest that this variant is not likely to affect RNA splicing, but this prediction has not been confirmed by published transcriptional studies.

Literature cited by the submitters: PubMed 17576681; PubMed 9536098.